The following is an entry in ClinVar:

NM_014000.3(VCL):c.1712C>T (p.Ala571Val)

Gene: VCL (vinculin; plus strand). Cytogenetic location: 10q22.2.
Variant type: single nucleotide variant.
Coding change: c.1712C>T on transcript NM_014000.3 (MANE Select); coding-DNA position 1712, C replaced by T.
Protein change: p.Ala571Val; replaces alanine 571 with valine.
Molecular consequence: missense variant.
Genome position (GRCh38, 1-based): chr10:74,095,824, C>T. VCF-style: chr10-74095824-C-T. GRCh37 (hg19) VCF-style: chr10-75855582-C-T.
Other names: c.1712C>T, p.Ala571Val (NM_003373.4); short protein forms A571V.
Identifiers: ClinVar variation 1449405 (VCV001449405.6), dbSNP rs1564530025, ClinGen allele CA377275177.

ClinVar aggregate classification (germline): Uncertain significance (1 of 4 stars; one submission).

Conditions:
Dilated cardiomyopathy 1W (CMD1W). Identifiers: Orphanet 154, MedGen C1969639, MONDO:0012667, OMIM 611407.

Submission:

Labcorp Genetics (formerly Invitae), Labcorp
Classification: Uncertain significance for Dilated cardiomyopathy 1W. Last evaluated: 2020-11-29. Review status: criteria provided, single submitter. Criteria: Invitae Variant Classification Sherloc (09022015). Collection method: clinical testing. Allele origin: germline.
Comment: This sequence change replaces alanine with valine at codon 571 of the VCL protein (p.Ala571Val). The alanine residue is highly conserved and there is a small physicochemical difference between alanine and valine. This variant is not present in population databases (ExAC no frequency). In summary, the available evidence is currently insufficient to determine the role of this variant in disease. Therefore, it has been classified as a Variant of Uncertain Significance. Algorithms developed to predict the effect of missense changes on protein structure and function are either unavailable or do not agree on the potential impact of this missense change (SIFT: "Not Available"; PolyPhen-2: "Benign"; Align-GVGD: "Not Available"). This variant has not been reported in the literature in individuals with VCL-related conditions.